The following is an entry in ClinVar:

NM_002470.4(MYH3):c.4771T>C (p.Tyr1591His)

Gene: MYH3 (myosin heavy chain 3; minus strand). Cytogenetic location: 17p13.1.
Variant type: single nucleotide variant.
Coding change: c.4771T>C on transcript NM_002470.4 (MANE Select); coding-DNA position 4771, T replaced by C.
Protein change: p.Tyr1591His; replaces tyrosine 1591 with histidine.
Molecular consequence: missense variant.
Genome position (GRCh38, 1-based): chr17:10,632,661, A>G on the plus strand (T>C on the coding strand, the complement: MYH3 is on the minus strand). VCF-style: chr17-10632661-A-G. GRCh37 (hg19) VCF-style: chr17-10535978-A-G.
Other names: short protein forms Y1591H.
Identifiers: ClinVar variation 4705284 (VCV004705284.1).

ClinVar aggregate classification (germline): Uncertain significance (1 of 4 stars; one submission).

gnomAD v4.1: 12 of 1,613,916 alleles (0.00074%); highest among the groups gnomAD compares: Non-Finnish European, 0.001%; no homozygotes.

Submission:

Labcorp Genetics (formerly Invitae), Labcorp
Classification: Uncertain significance. Last evaluated: 2025-11-10. Review status: criteria provided, single submitter. Criteria: Invitae Variant Classification Sherloc (09022015). Collection method: clinical testing. Allele origin: germline.
Comment: This sequence change replaces tyrosine, which is neutral and polar, with histidine, which is basic and polar, at codon 1591 of the MYH3 protein (p.Tyr1591His). This variant is present in population databases (no rsID available, gnomAD 0.004%). This variant has not been reported in the literature in individuals affected with MYH3-related conditions. Invitae Evidence Modeling of protein sequence and biophysical properties (such as structural, functional, and spatial information, amino acid conservation, physicochemical variation, residue mobility, and thermodynamic stability) indicates that this missense variant is not expected to disrupt MYH3 protein function with a negative predictive value of 95%. In summary, the available evidence is currently insufficient to determine the role of this variant in disease. Therefore, it has been classified as a Variant of Uncertain Significance.